The following is an entry in ClinVar:

ClinVar aggregate classification (germline): Likely benign. Review status: criteria provided, multiple submitters, no conflicts (2 of 4 stars). 2 submissions from 2 submitters: Likely benign (2). Last evaluated 2024-05-29.

Conditions:
Familial temporal lobe epilepsy 7. Identifiers: Orphanet 101046, MedGen C4225327, MONDO:0014639, OMIM 616436.
Norman-Roberts syndrome (LIS2). Also called: Lissencephaly 2 (Norman-Roberts type). Identifiers: Orphanet 89844, MedGen C0796089, MONDO:0009760, OMIM 257320.

Allele frequency attached by ClinVar (database versions not stated): TOPMed 0.00006; gnomAD 0.00007 and 0.00008; ExAC 0.00008; gnomAD exomes 0.00008; 1000 Genomes Project 0.00020; 1000 Genomes Project 30x 0.00031.
gnomAD v4.1: 88 of 1,614,072 alleles (0.0055%); highest among the groups gnomAD compares: East Asian, 0.16%; no homozygotes.

Submissions (2):

Labcorp Genetics (formerly Invitae), Labcorp
Classification: Likely benign for Familial temporal lobe epilepsy 7; Norman-Roberts syndrome. Last evaluated: 2024-05-29. Review status: criteria provided, single submitter. Criteria: Invitae Variant Classification Sherloc (09022015). Collection method: clinical testing. Allele origin: germline.

GeneDx
Classification: Likely benign. Last evaluated: 2017-09-28. Review status: criteria provided, single submitter. Criteria: GeneDx Variant Classification (06012015). Collection method: clinical testing. Allele origin: germline. Affected: yes.
Comment: This variant is considered likely benign or benign based on one or more of the following criteria: it is a conservative change, it occurs at a poorly conserved position in the protein, it is predicted to be benign by multiple in silico algorithms, and/or has population frequency not consistent with disease.

NM_005045.4(RELN):c.8625G>A (p.Pro2875=)

Genes: SLC26A5-AS1 (SLC26A5 antisense RNA 1; plus strand), RELN (reelin; minus strand). Cytogenetic location: 7q22.1.
Variant type: single nucleotide variant.
Coding change: c.8625G>A on transcript NM_005045.4 (MANE Select); coding-DNA position 8625, G replaced by A.
Protein change: p.Pro2875=; no amino-acid change (proline 2875 retained).
Molecular consequence: synonymous variant.
Genome position (GRCh38, 1-based): chr7:103,500,787, C>T on the plus strand (G>A on the coding strand, the complement: RELN is on the minus strand). VCF-style: chr7-103500787-C-T. GRCh37 (hg19) VCF-style: chr7-103141234-C-T.
Other names: c.8625G>A, p.Pro2875= (NM_173054.3).
Identifiers: ClinVar variation 512370 (VCV000512370.12), dbSNP rs190273964, ClinGen allele CA4420446.